The following is an entry in ClinVar:

ClinVar aggregate classification (germline): Uncertain significance (1 of 4 stars; one submission).

Submission:

Ambry Genetics
Classification: Uncertain significance. Last evaluated: 2024-05-23. Review status: criteria provided, single submitter. Criteria: Ambry Variant Classification Scheme 2023. Collection method: clinical testing. Allele origin: germline.
Comment: The p.M670T variant (also known as c.2009T>C), located in coding exon 18 of the BUB1 gene, results from a T to C substitution at nucleotide position 2009. The methionine at codon 670 is replaced by threonine, an amino acid with similar properties. This amino acid position is conserved. In addition, this alteration is predicted to be tolerated by in silico analysis. Based on the available evidence, the clinical significance of this variant remains unclear.

NM_004336.5(BUB1):c.2009T>C (p.Met670Thr)

Gene: BUB1 (BUB1 mitotic checkpoint serine/threonine kinase; minus strand). Cytogenetic location: 2q13.
Variant type: single nucleotide variant.
Coding change: c.2009T>C on transcript NM_004336.5 (MANE Select); coding-DNA position 2009, T replaced by C.
Protein change: p.Met670Thr; replaces methionine 670 with threonine.
Molecular consequence: missense variant.
Genome position (GRCh38, 1-based): chr2:110,650,740, A>G on the plus strand (T>C on the coding strand, the complement: BUB1 is on the minus strand). VCF-style: chr2-110650740-A-G. GRCh37 (hg19) VCF-style: chr2-111408317-A-G.
Other names: c.1949T>C, p.Met650Thr (NM_001278616.2); c.2009T>C, p.Met670Thr (NM_001278617.2); short protein forms M650T, M670T.
Identifiers: ClinVar variation 3262109 (VCV003262109.1).